The following is an entry in ClinVar:

ClinVar aggregate classification (germline): Uncertain significance (1 of 4 stars; one submission).

Conditions:
Dystonic disorder. Also called: Dystonia. Identifiers: MedGen C0013421, MONDO:0003441, HP:0001332.

Allele frequency attached by ClinVar (database versions not stated): gnomAD exomes below 0.00001.
gnomAD v4.1: 2 of 1,613,866 alleles (0.00012%); highest among the groups gnomAD compares: Non-Finnish European, 0.00017%; no homozygotes.

Submission:

Labcorp Genetics (formerly Invitae), Labcorp
Classification: Uncertain significance for Dystonic disorder. Last evaluated: 2021-12-24. Review status: criteria provided, single submitter. Criteria: Invitae Variant Classification Sherloc (09022015). Collection method: clinical testing. Allele origin: germline.
Comment: This sequence change creates a premature translational stop signal (p.Trp720*) in the ANO3 gene. It is expected to result in an absent or disrupted protein product. However, the current clinical and genetic evidence is not sufficient to establish whether loss-of-function variants in ANO3 cause disease. In summary, the available evidence is currently insufficient to determine the role of this variant in disease. Therefore, it has been classified as a Variant of Uncertain Significance. This variant has not been reported in the literature in individuals affected with ANO3-related conditions. This variant is not present in population databases (gnomAD no frequency).

NM_031418.4(ANO3):c.2159G>A (p.Trp720Ter)

Gene: ANO3 (anoctamin 3; plus strand). Cytogenetic location: 11p14.2.
Variant type: single nucleotide variant.
Coding change: c.2159G>A on transcript NM_031418.4 (MANE Select); coding-DNA position 2159, G replaced by A.
Protein change: p.Trp720Ter; replaces tryptophan 720 with a stop codon.
Molecular consequence: nonsense.
Genome position (GRCh38, 1-based): chr11:26,641,913, G>A. VCF-style: chr11-26641913-G-A. GRCh37 (hg19) VCF-style: chr11-26663460-G-A.
Other names: c.2342G>A, p.Trp781Ter (NM_001313726.2); c.1721G>A, p.Trp574Ter (NM_001313727.2); short protein forms W574*, W781*, W720*.
Identifiers: ClinVar variation 1923260 (VCV001923260.3), dbSNP rs1301601397, ClinGen allele CA379936650.